The following is an entry in ClinVar:

NC_012920.1(MT-CYB):m.15497G>A

Gene: MT-CYB (mitochondrially encoded cytochrome b; plus strand).
Variant type: single nucleotide variant.
Genome position: chrM-15497-G-A.
Other names: MTCYB, 15497G-A, GLY251SER; G251S.
Identifiers: ClinVar variation 9687 (VCV000009687.4), dbSNP rs199951903, ClinGen allele CA210805.
Genomic context (GRCh38, chrMT:15,497, plus strand): 5'-GGCTTACTTCTCTTCCTTCTCTCCTTAATGACATTAACACTATTCTCACCAGACCTCCTA[G>A]GCGACCCAGACAATTATACCCTAGCCAACCCCTTAAACACCCCTCCCCACATCAAGCCCG-3'

ClinVar aggregate classification (germline): Benign/Likely benign. Review status: criteria provided, multiple submitters, no conflicts (2 of 4 stars). 3 submissions from 3 submitters: Benign (1); Likely benign (1). 1 of the submissions does not count toward it. Last evaluated 2019-10-17.

Conditions:
Obesity. Also called: Obesity disorder. Identifiers: Orphanet 71529, MedGen C0028754, MeSH D009765, MONDO:0011122, HP:0001513.
Leigh syndrome (NULS). Also called: Leigh's necrotizing encephalopathy; Leigh's disease; Leigh Disease; Leigh's syndrome; Subacute necrotizing encephalopathy; Necrotizing encephalopathy infantile subacute of Leigh. Identifiers: Orphanet 506, MedGen C2931891, MONDO:0009723, OMIM 256000.

Submissions (3):

Wong Mito Lab, Molecular and Human Genetics, Baylor College of Medicine
Classification: Benign for Leigh syndrome. Last evaluated: 2019-10-17. Review status: criteria provided, single submitter. Criteria: Modified ACMG Guidelines (Unpublished). Collection method: clinical testing. Allele origin: germline.
Comment: The NC_012920.1:m.15497G>A (YP_003024038.1:p.Gly251Ser) variant in MTCYB gene is interpretated to be a Benign variant based on the modified ACMG guidelines (unpublished). This variant meets the following evidence codes: BS1, BS2

Center for Pediatric Genomic Medicine, Children's Mercy Hospital and Clinics
Classification: Likely benign. Last evaluated: 2017-01-04. Review status: criteria provided, single submitter. Criteria: ACMG Guidelines, 2015. Collection method: clinical testing. Allele origin: germline.
ClinVar note: Converted during submission from Likely Benign to Likely benign.

OMIM
Classification: risk factor for OBESITY, SUSCEPTIBILITY TO. Last evaluated: 2003-10-01. Review status: no assertion criteria provided. Collection method: literature only. Allele origin: germline. Not counted in ClinVar's aggregate classification.

Literature cited by the submitters: PubMed 12905068 (cited by OMIM).